The following is an entry in ClinVar:

NM_025137.4(SPG11):c.679G>T (p.Val227Phe)

Gene: SPG11 (SPG11 vesicle trafficking associated, spatacsin; minus strand). Cytogenetic location: 15q21.1.
Variant type: single nucleotide variant.
Coding change: c.679G>T on transcript NM_025137.4 (MANE Select); coding-DNA position 679, G replaced by T.
Protein change: p.Val227Phe; replaces valine 227 with phenylalanine.
Molecular consequence: missense variant.
Genome position (GRCh38, 1-based): chr15:44,657,285, C>A on the plus strand (G>T on the coding strand, the complement: SPG11 is on the minus strand). VCF-style: chr15-44657285-C-A. GRCh37 (hg19) VCF-style: chr15-44949483-C-A.
Other names: c.679G>T, p.Val227Phe (NM_001160227.2, NM_001411132.1); short protein forms V227F.
Identifiers: ClinVar variation 4978884 (VCV004978884.1).

ClinVar aggregate classification (germline): Uncertain significance (1 of 4 stars; one submission).

Conditions:
SPG11-related disorder. Also called: SPG11-related condition.

gnomAD v4.1: 20 of 1,614,164 alleles (0.0012%); highest among the groups gnomAD compares: East Asian, 0.0022%; no homozygotes.

Submission:

PreventionGenetics, part of Exact Sciences
Classification: Uncertain significance for SPG11-related condition. Last evaluated: 2026-09-23. Review status: criteria provided, single submitter. Criteria: ACMG Guidelines, 2015. Collection method: clinical testing. Allele origin: germline.
Comment: The SPG11 c.679G>T variant is predicted to result in the amino acid substitution p.Val227Phe. To our knowledge, this variant has not been reported in the literature. This variant is reported in 0.0054% of alleles in individuals of East Asian descent in gnomAD. At this time, the clinical significance of this variant is uncertain due to the absence of conclusive functional and genetic evidence.